The following is an entry in ClinVar:

NM_006294.5(UQCRB):c.56A>T (p.Lys19Ile)

Gene: UQCRB (ubiquinol-cytochrome c reductase binding protein; minus strand). Cytogenetic location: 8q22.1.
Variant type: single nucleotide variant.
Coding change: c.56A>T on transcript NM_006294.5 (MANE Select); coding-DNA position 56, A replaced by T.
Protein change: p.Lys19Ile; replaces lysine 19 with isoleucine.
Molecular consequence: missense variant. On other transcripts: 5 prime UTR variant (1), non-coding transcript variant (1).
Genome position (GRCh38, 1-based): chr8:96,233,191, T>A on the plus strand (A>T on the coding strand, the complement: UQCRB is on the minus strand). VCF-style: chr8-96233191-T-A. GRCh37 (hg19) VCF-style: chr8-97245419-T-A.
Other names: p.K19I:AAA>ATA; c.-41A>T (NM_001199975.3); c.56A>T, p.Lys19Ile (NM_001254752.2); short protein forms K19I.
Identifiers: ClinVar variation 215346 (VCV000215346.2), dbSNP rs863224257, ClinGen allele CA324572.

ClinVar aggregate classification (germline): Likely pathogenic (1 of 4 stars; one submission).

Allele frequency attached by ClinVar (database versions not stated): gnomAD exomes 0.00001.

Submission:

GeneDx
Classification: Likely pathogenic. Last evaluated: 2014-09-02. Review status: criteria provided, single submitter. Criteria: GeneDx Variant Classification (06012015). Collection method: clinical testing. Allele origin: germline. Affected: yes.
Comment: p.Lys19Ile (AAA>ATA): c.56 A>T in exon 2 of the UQCRB gene (NM_006294.3). The K19I variant that is likely pathogenic, identified in the UQCRB gene, has not been published as a mutation, nor has it been reported as a benign polymorphism to our knowledge. The K19I variant is a non-conservative amino acid substitution, which is likely to impact secondary protein structure as these residues differ in polarity, charge, size and/or other properties. This substitution occurs at a position that is conserved across species. In silico analysis predicts this variant is probably damaging to the protein structure/function. Therefore, this variant is a strong candidate for a pathogenic mutation, however the possibility that it is a benign variant cannot be excluded. The variant is found in MITONUC-MITOP panel(s).